The following is an entry in ClinVar:

ClinVar aggregate classification (germline): Uncertain significance (1 of 4 stars; one submission).

Submission:

Ambry Genetics
Classification: Uncertain significance. Last evaluated: 2023-03-18. Review status: criteria provided, single submitter. Criteria: Ambry Variant Classification Scheme 2023. Collection method: clinical testing. Allele origin: germline.
Comment: The p.S1022L variant (also known as c.3065C>T), located in coding exon 25 of the A2ML1 gene, results from a C to T substitution at nucleotide position 3065. The serine at codon 1022 is replaced by leucine, an amino acid with dissimilar properties. This amino acid position is conserved. In addition, the in silico prediction for this alteration is inconclusive. Since supporting evidence is limited at this time, the clinical significance of this alteration remains unclear.

NM_144670.6(A2ML1):c.3065C>T (p.Ser1022Leu)

Gene: A2ML1 (alpha-2-macroglobulin like 1; plus strand). Cytogenetic location: 12p13.31.
Variant type: single nucleotide variant.
Coding change: c.3065C>T on transcript NM_144670.6 (MANE Select); coding-DNA position 3065, C replaced by T.
Protein change: p.Ser1022Leu; replaces serine 1022 with leucine.
Molecular consequence: missense variant.
Genome position (GRCh38, 1-based): chr12:8,857,546, C>T. VCF-style: chr12-8857546-C-T. GRCh37 (hg19) VCF-style: chr12-9010142-C-T.
Other names: c.1592C>T, p.Ser531Leu (NM_001282424.3); short protein forms S1022L, S531L.
Identifiers: ClinVar variation 2564130 (VCV002564130.2), dbSNP rs2539277093, ClinGen allele CA383836710.